The following is an entry in ClinVar:

ClinVar aggregate classification (germline): Likely pathogenic (1 of 4 stars; one submission).

Submission:

Mayo Clinic Laboratories, Mayo Clinic
Classification: Likely pathogenic. Last evaluated: 2023-12-27. Review status: criteria provided, single submitter. Criteria: ACMG Guidelines, 2015. Collection method: clinical testing. Allele origin: germline. Observed: 1 variant allele.
Comment: PM2, PVS1

NM_004370.6(COL12A1):c.4084G>T (p.Glu1362Ter)

Gene: COL12A1 (collagen type XII alpha 1 chain; minus strand). Cytogenetic location: 6q13.
Variant type: single nucleotide variant.
Coding change: c.4084G>T on transcript NM_004370.6 (MANE Select); coding-DNA position 4084, G replaced by T.
Protein change: p.Glu1362Ter; replaces glutamic acid 1362 with a stop codon.
Molecular consequence: nonsense.
Genome position (GRCh38, 1-based): chr6:75,151,204, C>A on the plus strand (G>T on the coding strand, the complement: COL12A1 is on the minus strand). VCF-style: chr6-75151204-C-A. GRCh37 (hg19) VCF-style: chr6-75860920-C-A.
Other names: p.Glu1362*; c.4084G>T, p.Glu1362Ter (NM_001424113.1, NM_001424114.1); c.3811G>T, p.Glu1271Ter (NM_001424115.1); c.592G>T, p.Glu198Ter (NM_001424116.1, NM_080645.3); short protein forms E1271*, E1362*, E198*.
Identifiers: ClinVar variation 3381012 (VCV003381012.1).